The following is an entry in ClinVar:

NM_001994.3(F13B):c.570G>A (p.Lys190=)

Gene: F13B (coagulation factor XIII B chain; minus strand). Cytogenetic location: 1q31.3.
Variant type: single nucleotide variant.
Coding change: c.570G>A on transcript NM_001994.3 (MANE Select); coding-DNA position 570, G replaced by A.
Protein change: p.Lys190=; no amino-acid change (lysine 190 retained).
Molecular consequence: synonymous variant.
Genome position (GRCh38, 1-based): chr1:197,060,957, C>T on the plus strand (G>A on the coding strand, the complement: F13B is on the minus strand). VCF-style: chr1-197060957-C-T. GRCh37 (hg19) VCF-style: chr1-197030087-C-T.
Other names: p.Lys190=.
Identifiers: ClinVar variation 294586 (VCV000294586.30), dbSNP rs17514253, ClinGen allele CA1308548.

ClinVar aggregate classification (germline): Conflicting classifications of pathogenicity. Review status: criteria provided, conflicting classifications (1 of 4 stars). 3 submissions from 3 submitters: Uncertain significance (1); Benign (1); Likely benign (1). Last evaluated 2026-08-01.

Conditions:
Factor XIII, b subunit, deficiency of. Also called: Factor XIII subunit B deficiency. Identifiers: Orphanet 331, MedGen C2750481, MONDO:0013190, OMIM 613235, HP:0040234.

Allele frequency attached by ClinVar (database versions not stated): 1000 Genomes Project 0.00339; 1000 Genomes Project 30x 0.00344; TOPMed 0.00400; ESP Exome Variant Server 0.00584; gnomAD exomes 0.00755 and 0.00766; gnomAD 0.00758 and 0.00792; ExAC 0.00769.
gnomAD v4.1: 12,054 of 1,613,274 alleles (0.75%); highest among the groups gnomAD compares: Non-Finnish European, 0.78%; 85 homozygotes.

Submissions (3):

CeGaT Center for Human Genetics Tuebingen
Classification: Likely benign. Last evaluated: 2026-08-01. Review status: criteria provided, single submitter. Criteria: CeGaT Center For Human Genetics Tuebingen Variant Classification Criteria Version 2. Collection method: clinical testing. Allele origin: germline. Affected: yes. Observed: 3 variant alleles.
Comment: F13B: BP4, BP7, BS2

Mayo Clinic Laboratories, Mayo Clinic
Classification: Benign. Last evaluated: 2021-12-01. Review status: criteria provided, single submitter. Criteria: ACMG Guidelines, 2015. Collection method: clinical testing. Allele origin: germline. Observed: 7 variant alleles.
Comment: BS1, BP4, BP7

Illumina Laboratory Services, Illumina
Classification: Uncertain significance for Factor XIII, b subunit, deficiency of. Last evaluated: 2018-01-12. Review status: criteria provided, single submitter. Criteria: ICSL Variant Classification Criteria 13 December 2019. Collection method: clinical testing. Allele origin: germline.